The following is an entry in ClinVar:

NM_000179.3(MSH6):c.357C>A (p.Phe119Leu)

Gene: MSH6 (mutS homolog 6; plus strand). Cytogenetic location: 2p16.3.
Variant type: single nucleotide variant.
Coding change: c.357C>A on transcript NM_000179.3 (MANE Select); coding-DNA position 357, C replaced by A.
Protein change: p.Phe119Leu; replaces phenylalanine 119 with leucine.
Molecular consequence: missense variant. On other transcripts: 5 prime UTR variant (2), intron variant (1).
Genome position (GRCh38, 1-based): chr2:47,791,023, C>A. VCF-style: chr2-47791023-C-A. GRCh37 (hg19) VCF-style: chr2-48018162-C-A.
Other names: c.-380C>A (NM_001281493.2); c.-546C>A (NM_001281494.2); c.237+7553C>A (NM_001281492.2); short protein forms F119L.
Identifiers: ClinVar variation 628632 (VCV000628632.11), dbSNP rs1298565919, ClinGen allele CA346737002.

ClinVar aggregate classification (germline): Conflicting classifications of pathogenicity. Review status: criteria provided, conflicting classifications (1 of 4 stars). 3 submissions from 3 submitters: Uncertain significance (2); Likely benign (1). Last evaluated 2024-08-02.

Conditions:
Hereditary cancer-predisposing syndrome. Also called: Neoplastic Syndromes, Hereditary; Tumor predisposition; Hereditary neoplastic syndrome; Hereditary Cancer Syndrome. Identifiers: Orphanet 140162, MedGen C0027672, MeSH D009386, MONDO:0015356.
Hereditary nonpolyposis colorectal neoplasms. Identifiers: MedGen C0009405, MeSH D003123.

gnomAD v4.1: 6 of 1,614,214 alleles (0.00037%); highest among the groups gnomAD compares: Non-Finnish European, 0.00042%; no homozygotes.

Submissions (3):

Ambry Genetics
Classification: Likely benign for Hereditary cancer-predisposing syndrome. Last evaluated: 2024-08-02. Review status: criteria provided, single submitter. Criteria: Ambry Variant Classification Scheme 2023. Collection method: clinical testing. Allele origin: germline.

Color Diagnostics, LLC DBA Color Health
Classification: Uncertain significance for Hereditary cancer-predisposing syndrome. Last evaluated: 2023-12-05. Review status: criteria provided, single submitter. Criteria: ACMG Guidelines, 2015. Collection method: clinical testing. Allele origin: germline.
Comment: This missense variant replaces phenylalanine with leucine at codon 119 of the MSH6 protein. Computational prediction suggests that this variant may not impact protein structure and function (internally defined REVEL score threshold <= 0.5, PMID: 27666373). To our knowledge, functional studies have not been reported for this variant. This variant has not been reported in individuals affected with MSH6-related disorders in the literature. This variant has not been identified in the general population by the Genome Aggregation Database (gnomAD). The available evidence is insufficient to determine the role of this variant in disease conclusively. Therefore, this variant is classified as a Variant of Uncertain Significance.

Labcorp Genetics (formerly Invitae), Labcorp
Classification: Uncertain significance for Hereditary nonpolyposis colorectal neoplasms. Last evaluated: 2022-10-01. Review status: criteria provided, single submitter. Criteria: Invitae Variant Classification Sherloc (09022015). Collection method: clinical testing. Allele origin: germline.
Comment: In summary, the available evidence is currently insufficient to determine the role of this variant in disease. Therefore, it has been classified as a Variant of Uncertain Significance. Advanced modeling of protein sequence and biophysical properties (such as structural, functional, and spatial information, amino acid conservation, physicochemical variation, residue mobility, and thermodynamic stability) performed at Invitae indicates that this missense variant is not expected to disrupt MSH6 protein function. ClinVar contains an entry for this variant (Variation ID: 628632). This variant has not been reported in the literature in individuals affected with MSH6-related conditions. This variant is not present in population databases (gnomAD no frequency). This sequence change replaces phenylalanine, which is neutral and non-polar, with leucine, which is neutral and non-polar, at codon 119 of the MSH6 protein (p.Phe119Leu).